The following is an entry in ClinVar:

NM_020795.4(NLGN2):c.2468A>C (p.Asn823Thr)

Gene: NLGN2 (neuroligin 2; plus strand). Cytogenetic location: 17p13.1.
Variant type: single nucleotide variant.
Coding change: c.2468A>C on transcript NM_020795.4 (MANE Select); coding-DNA position 2468, A replaced by C.
Protein change: p.Asn823Thr; replaces asparagine 823 with threonine.
Molecular consequence: missense variant.
Genome position (GRCh38, 1-based): chr17:7,417,759, A>C. VCF-style: chr17-7417759-A-C. GRCh37 (hg19) VCF-style: chr17-7321078-A-C.
Other names: short protein forms N823T.
Identifiers: ClinVar variation 3650100 (VCV003650100.2).

ClinVar aggregate classification (germline): Uncertain significance (1 of 4 stars; one submission).

Submission:

Labcorp Genetics (formerly Invitae), Labcorp
Classification: Uncertain significance. Last evaluated: 2024-10-15. Review status: criteria provided, single submitter. Criteria: Invitae Variant Classification Sherloc (09022015). Collection method: clinical testing. Allele origin: germline.
Comment: This sequence change replaces asparagine, which is neutral and polar, with threonine, which is neutral and polar, at codon 823 of the NLGN2 protein (p.Asn823Thr). The frequency data for this variant in the population databases is considered unreliable, as metrics indicate insufficient coverage at this position in the gnomAD database. This variant has not been reported in the literature in individuals affected with NLGN2-related conditions. Invitae Evidence Modeling of protein sequence and biophysical properties (such as structural, functional, and spatial information, amino acid conservation, physicochemical variation, residue mobility, and thermodynamic stability) indicates that this missense variant is not expected to disrupt NLGN2 protein function with a negative predictive value of 80%. In summary, the available evidence is currently insufficient to determine the role of this variant in disease. Therefore, it has been classified as a Variant of Uncertain Significance.